The following is an entry in ClinVar:

ClinVar aggregate classification (germline): Likely benign. Review status: criteria provided, multiple submitters, no conflicts (2 of 4 stars). 2 submissions from 2 submitters: Likely benign (2). Last evaluated 2025-01-06.

Conditions:
TRMU-related disorder. Also called: TRMU-related condition.

Allele frequency attached by ClinVar (database versions not stated): ExAC 0.00001; TOPMed 0.00001.
gnomAD v4.1: 15 of 1,613,158 alleles (0.00093%); highest among the groups gnomAD compares: Middle Eastern, 0.017%; no homozygotes.

Submissions (2):

PreventionGenetics, part of Exact Sciences
Classification: Likely benign for TRMU-related condition. Last evaluated: 2025-01-06. Review status: criteria provided, single submitter. Criteria: ACMG Guidelines, 2015. Collection method: clinical testing. Allele origin: germline.
Comment: This variant is classified as likely benign based on ACMG/AMP sequence variant interpretation guidelines (Richards et al. 2015 PMID: 25741868, with internal and published modifications).

Labcorp Genetics (formerly Invitae), Labcorp
Classification: Likely benign. Last evaluated: 2024-03-09. Review status: criteria provided, single submitter. Criteria: Invitae Variant Classification Sherloc (09022015). Collection method: clinical testing. Allele origin: germline.

NM_018006.5(TRMU):c.903C>T (p.Tyr301=)

Gene: TRMU (tRNA mitochondrial 2-thiouridylase; plus strand). Cytogenetic location: 22q13.31.
Variant type: single nucleotide variant.
Coding change: c.903C>T on transcript NM_018006.5 (MANE Select); coding-DNA position 903, C replaced by T.
Protein change: p.Tyr301=; no amino-acid change (tyrosine 301 retained).
Molecular consequence: synonymous variant. On other transcripts: non-coding transcript variant (2).
Genome position (GRCh38, 1-based): chr22:46,355,473, C>T. VCF-style: chr22-46355473-C-T. GRCh37 (hg19) VCF-style: chr22-46751370-C-T.
Other names: c.903C>T (NM_018006.4); c.561C>T, p.Tyr187= (NM_001282782.2); c.483C>T, p.Tyr161= (NM_001282783.2, NM_001282784.2); c.903C>T, p.Tyr301= (NM_001282785.2).
Identifiers: ClinVar variation 1084219 (VCV001084219.10), dbSNP rs779868712, ClinGen allele CA10292313.